The following is an entry in ClinVar:

NM_004973.4(JARID2):c.1409_1410insCGGCAAGAAGGCCC (p.Pro475fs)

Gene: JARID2 (jumonji and AT-rich interaction domain containing 2; plus strand). Cytogenetic location: 6p22.3.
Variant type: Insertion.
Coding change: c.1409_1410insCGGCAAGAAGGCCC on transcript NM_004973.4 (MANE Select); coding-DNA positions 1409 to 1410, CGGCAAGAAGGCCC inserted.
Protein change: p.Pro475fs; shifts the reading frame from proline 475.
Molecular consequence: frameshift variant.
Genome position: GRCh38 VCF-style: chr6-15496626-C-CGAAGGCCCCGGCAA. GRCh37 (hg19) VCF-style: chr6-15496857-C-CGAAGGCCCCGGCAA.
Other names: c.893_894insCGGCAAGAAGGCCC, p.Pro303fs (NM_001267040.1); short protein forms P303fs, P475fs.
Identifiers: ClinVar variation 4759251 (VCV004759251.1).

ClinVar aggregate classification (germline): Pathogenic (1 of 4 stars; one submission).

Conditions:
Developmental delay with variable intellectual disability and dysmorphic facies. Identifiers: MedGen C5774242, MONDO:0859306, OMIM 620098.

Submission:

Variantyx, Inc.
Classification: Pathogenic for Developmental delay with variable intellectual disability and dysmorphic facies. Last evaluated: 2025-03-20. Review status: criteria provided, single submitter. Criteria: Variantyx Assertion Criteria 2022. Collection method: clinical testing. Allele origin: de novo. Affected: yes.
Comment: This is a frameshift variant in the JARID2 gene (OMIM: 601594). Pathogenic variants in this gene have been associated with autosomal dominant developmental delay with variable intellectual disability and dysmorphic facies. This variant introduces a premature termination codon in exon 7 out of 18. It is expected to result in loss of function, which is a known disease mechanism for JARID2 in this disorder (PMID: 33077894, 35533077) (PVS1). This variant is absent from control populations (PM2_Supporting). This variant has not been reported in individuals with JARID2-related disorders in the databases available for review. Based on the current evidence, this variant is classified as pathogenic for autosomal dominant developmental delay with variable intellectual disability and dysmorphic facies.